The following is an entry in ClinVar:

ClinVar aggregate classification (germline): Uncertain significance (1 of 4 stars; one submission).

Allele frequency attached by ClinVar (database versions not stated): ExAC 0.00001; gnomAD 0.00001; gnomAD exomes 0.00001; TOPMed 0.00001.
gnomAD v4.1: 9 of 1,613,868 alleles (0.00056%); highest among the groups gnomAD compares: Non-Finnish European, 0.00076%; no homozygotes.

Submission:

Labcorp Genetics (formerly Invitae), Labcorp
Classification: Uncertain significance. Last evaluated: 2024-09-06. Review status: criteria provided, single submitter. Criteria: Invitae Variant Classification Sherloc (09022015). Collection method: clinical testing. Allele origin: germline.
Comment: This sequence change replaces glutamic acid, which is acidic and polar, with aspartic acid, which is acidic and polar, at codon 266 of the CLDN16 protein (p.Glu266Asp). The frequency data for this variant in the population databases is considered unreliable, as metrics indicate poor data quality at this position in the gnomAD database. This variant has not been reported in the literature in individuals affected with CLDN16-related conditions. ClinVar contains an entry for this variant (Variation ID: 1929146). An algorithm developed to predict the effect of missense changes on protein structure and function (PolyPhen-2) suggests that this variant is likely to be tolerated. In summary, the available evidence is currently insufficient to determine the role of this variant in disease. Therefore, it has been classified as a Variant of Uncertain Significance.

NM_006580.4(CLDN16):c.588G>C (p.Glu196Asp)

Gene: CLDN16 (claudin 16; plus strand). Cytogenetic location: 3q28.
Variant type: single nucleotide variant.
Coding change: c.588G>C on transcript NM_006580.4 (MANE Select); coding-DNA position 588, G replaced by C.
Protein change: p.Glu196Asp; replaces glutamic acid 196 with aspartic acid.
Molecular consequence: missense variant.
Genome position (GRCh38, 1-based): chr3:190,409,916, G>C. VCF-style: chr3-190409916-G-C. GRCh37 (hg19) VCF-style: chr3-190127705-G-C.
Other names: c.588G>C, p.Glu196Asp (NM_001378492.1, NM_001378493.1); short protein forms E196D.
Identifiers: ClinVar variation 1929146 (VCV001929146.5), dbSNP rs748266585, ClinGen allele CA2753916.